The following is an entry in ClinVar:

ClinVar aggregate classification (germline): Uncertain significance (1 of 4 stars; one submission).

Allele frequency attached by ClinVar (database versions not stated): TOPMed 0.00001.
gnomAD v4.1: 13 of 1,614,030 alleles (0.00081%); highest among the groups gnomAD compares: Non-Finnish European, 0.001%; no homozygotes.

Submission:

Labcorp Genetics (formerly Invitae), Labcorp
Classification: Uncertain significance. Last evaluated: 2025-10-09. Review status: criteria provided, single submitter. Criteria: Invitae Variant Classification Sherloc (09022015). Collection method: clinical testing. Allele origin: germline.
Comment: This sequence change replaces asparagine, which is neutral and polar, with isoleucine, which is neutral and non-polar, at codon 797 of the LAMB1 protein (p.Asn797Ile). This variant is present in population databases (rs780345179, gnomAD 0.004%). This variant has not been reported in the literature in individuals affected with LAMB1-related conditions. ClinVar contains an entry for this variant (Variation ID: 1967908). An algorithm developed to predict the effect of missense changes on protein structure and function (PolyPhen-2) suggests that this variant is likely to be disruptive. In summary, the available evidence is currently insufficient to determine the role of this variant in disease. Therefore, it has been classified as a Variant of Uncertain Significance.

NM_002291.3(LAMB1):c.2390A>T (p.Asn797Ile)

Gene: LAMB1 (laminin subunit beta 1; minus strand). Cytogenetic location: 7q31.1.
Variant type: single nucleotide variant.
Coding change: c.2390A>T on transcript NM_002291.3 (MANE Select); coding-DNA position 2390, A replaced by T.
Protein change: p.Asn797Ile; replaces asparagine 797 with isoleucine.
Molecular consequence: missense variant.
Genome position (GRCh38, 1-based): chr7:107,959,759, T>A on the plus strand (A>T on the coding strand, the complement: LAMB1 is on the minus strand). VCF-style: chr7-107959759-T-A. GRCh37 (hg19) VCF-style: chr7-107600204-T-A.
Other names: short protein forms N797I.
Identifiers: ClinVar variation 1967908 (VCV001967908.5), dbSNP rs780345179, ClinGen allele CA4435655.